The following is an entry in ClinVar:

NM_001290321.3(DMXL1):c.7572T>C (p.His2524=)

Gene: DMXL1 (Dmx like 1; plus strand). Cytogenetic location: 5q23.1.
Variant type: single nucleotide variant.
Coding change: c.7572T>C on transcript NM_001290321.3 (MANE Select); coding-DNA position 7572, T replaced by C.
Protein change: p.His2524=; no amino-acid change (histidine 2524 retained).
Molecular consequence: synonymous variant. On other transcripts: non-coding transcript variant (3).
Genome position (GRCh38, 1-based): chr5:119,197,783, T>C. VCF-style: chr5-119197783-T-C. GRCh37 (hg19) VCF-style: chr5-118533478-T-C.
Other names: c.7572T>C, p.His2524= (NM_001349239.2, NM_001349240.2, NM_001387933.1 and 1 more transcripts); c.7380T>C, p.His2460= (NM_001387934.1); c.6867T>C, p.His2289= (NM_001387937.1); c.6585T>C, p.His2195= (NM_001387938.1).
Identifiers: ClinVar variation 3043078 (VCV003043078.2), dbSNP rs183204009, ClinGen allele CA3380927.

ClinVar aggregate classification (germline): Likely benign (0 of 4 stars; one submission).

Conditions:
DMXL1-related disorder. Also called: DMXL1-related condition.

Allele frequency attached by ClinVar (database versions not stated): gnomAD exomes 0.00003; ExAC 0.00010; ESP Exome Variant Server 0.00023; 1000 Genomes Project 30x 0.00031; TOPMed 0.00034; gnomAD 0.00038; 1000 Genomes Project 0.00040.
gnomAD v4.1: 97 of 1,614,172 alleles (0.006%); highest among the groups gnomAD compares: African/African-American, 0.12%; no homozygotes.

Submission:

PreventionGenetics, part of Exact Sciences
Classification: Likely benign for DMXL1-related condition. Last evaluated: 2019-06-20. Review status: no assertion criteria provided. Collection method: clinical testing. Allele origin: germline.
Comment: This variant is classified as likely benign based on ACMG/AMP sequence variant interpretation guidelines (Richards et al. 2015 PMID: 25741868, with internal and published modifications).